The following is an entry in ClinVar:

ClinVar aggregate classification (germline): Benign/Likely benign. Review status: criteria provided, multiple submitters, no conflicts (2 of 4 stars). 12 submissions from 12 submitters: Benign (4); Likely benign (4). 4 of the submissions do not count toward it. Last evaluated 2025-12-01.

Conditions:
PKD1-related disorder. Also called: PKD1-related condition.
Polycystic kidney disease, adult type (PKD1). Also called: POLYCYSTIC KIDNEY DISEASE 1 WITH OR WITHOUT POLYCYSTIC LIVER DISEASE; Polycystic Kidney Disease 1, Autosomal Dominant; Polycystic kidney disease 1; Polycystic kidney disease 1, severe; Polycystic Kidney, Autosomal Dominant; POLYCYSTIC KIDNEY DISEASE, ADULT, TYPE I. Identifiers: MedGen C3149841, MONDO:0008263, OMIM 173900.
Polycystic kidney disease. Also called: Kidney, Polycystic; Polycystic kidney dysplasia. Identifiers: MedGen C0022680, MeSH D007690, MONDO:0020642, HP:0000113.

Allele frequency attached by ClinVar (database versions not stated): ExAC 0.00474; gnomAD 0.00498 and 0.00512; ESP Exome Variant Server 0.00503; TOPMed 0.00512; gnomAD exomes 0.00680 and 0.00443; 1000 Genomes Project 0.00220; 1000 Genomes Project 30x 0.00234.
gnomAD v4.1: 10,612 of 1,609,434 alleles (0.66%); highest among the groups gnomAD compares: Non-Finnish European, 0.81%; 40 homozygotes.

Submissions (12):

CeGaT Center for Human Genetics Tuebingen
Classification: Likely benign. Last evaluated: 2025-12-01. Review status: criteria provided, single submitter. Criteria: CeGaT Center For Human Genetics Tuebingen Variant Classification Criteria Version 2. Collection method: clinical testing. Allele origin: germline. Affected: yes. Observed: 19 variant alleles.
Comment: PKD1: BP4, BP7, BS2

Women's Health and Genetics/Laboratory Corporation of America, LabCorp
Classification: Benign. Last evaluated: 2025-02-24. Review status: criteria provided, single submitter. Criteria: LabCorp Variant Classification Summary - May 2015. Collection method: clinical testing. Allele origin: germline.

Blueprint Genetics
Classification: Likely benign. Last evaluated: 2024-11-26. Review status: criteria provided, single submitter. Criteria: ACMG Guidelines, 2015. Collection method: clinical testing. Allele origin: germline.

Fulgent Genetics
Classification: Benign for Polycystic kidney disease, adult type. Last evaluated: 2021-07-09. Review status: criteria provided, single submitter. Criteria: ACMG Guidelines, 2015. Collection method: clinical testing. Allele origin: unknown.

Athena Diagnostics
Classification: Benign. Last evaluated: 2021-05-28. Review status: criteria provided, single submitter. Criteria: Athena Diagnostics criteria. Collection method: clinical testing. Allele origin: unknown.

GeneDx
Classification: Likely benign. Last evaluated: 2021-02-08. Review status: criteria provided, single submitter. Criteria: GeneDx Variant Classification Process June 2021. Collection method: clinical testing. Allele origin: germline. Affected: yes.
Comment: This variant is associated with the following publications: (PMID: 22383692, 17574468, 11967008)

ARUP Laboratories, Molecular Genetics and Genomics, ARUP Laboratories
Classification: Benign for Polycystic kidney disease, adult type. Last evaluated: 2020-03-20. Review status: criteria provided, single submitter. Criteria: ARUP Molecular Germline Variant Investigation Process. Collection method: clinical testing. Allele origin: germline.

Breakthrough Genomics
Classification: Likely benign. Review status: criteria provided, single submitter. Criteria: ACMG Guidelines, 2015. Collection method: not provided. Allele origin: germline. Inheritance: Autosomal dominant inheritance. Affected: yes.

PreventionGenetics, part of Exact Sciences
Classification: Benign for PKD1-related condition. Last evaluated: 2019-10-15. Review status: no assertion criteria provided. Collection method: clinical testing. Allele origin: germline. Not counted in ClinVar's aggregate classification.
Comment: This variant is classified as benign based on ACMG/AMP sequence variant interpretation guidelines (Richards et al. 2015 PMID: 25741868, with internal and published modifications).

Clinical Genetics DNA and cytogenetics Diagnostics Lab, Erasmus MC, Erasmus Medical Center
Classification: Benign. Review status: no assertion criteria provided. Collection method: clinical testing. Allele origin: germline. Affected: yes. Study: VKGL Data-share Consensus. Not counted in ClinVar's aggregate classification.

Department of Pathology and Laboratory Medicine, Sinai Health System
Classification: Benign for Polycystic Kidney disease. Review status: no assertion criteria provided. Collection method: clinical testing. Allele origin: unknown. Affected: yes. Study: The Canadian Open Genetics Repository (COGR). Not counted in ClinVar's aggregate classification.
Comment: The PKD1 p.Ala1894Ala variant was identified in 7 of 714 proband chromosomes (frequency: 0.01) from individuals or families with ADPKD (Rossetti_2012, Rossetti_2002, Garcia-Gonzalez_2007). The variant was identified in dbSNP (ID: rs144634185) as â€šÃ„ÃºWith Likely benign alleleâ€šÃ„Ã¹, ClinVar (classified benign by ARUP Laboratories and likely benign by Prevention Genetics), ADPKD Mutation Database (classified likely neutral), and in control databases in 1215 of 268382 chromosomes (5 homozygous) at a frequency of 0.005 increasing the likelihood this could be a low frequency benign variant (Genome Aggregation Database Feb 27, 2017). It was observed in the following populations: African in 36 of 22920 chromosomes (freq: 0.002), Other in 38 of 6304 chromosomes (freq: 0.006), Latino in 144 of 34192 chromosomes (freq: 0.004), European Non-Finnish in 898 (4 homozygous) of 121596 chromosomes (freq: 0.007), Ashkenazi Jewish in 14 of 9944 chromosomes (freq: 0.001), East Asian in 1 of 18624 chromosomes (freq: 0.00005), European Finnish in 39 of 24354 chromosomes (freq: 0.002), and South Asian in 45 (1 homozygous) of 30448 chromosomes (freq: 0.001). The variant was not identified in the COGR, LOVD 3.0, or PKD1-LOVD databases. The p.Ala1894= variant is not expected to have clinical significance because it does not result in a change of amino acid and is not located in a known consensus splice site. In addition, in silico or computational prediction software programs (SpliceSiteFinder, MaxEntScan, NNSPLICE, GeneSplicer, HumanSpliceFinder) do not predict a difference in splicing. In summary, based on the above information this variant meets our laboratory criteria to be classified as benign.

Laboratory of Diagnostic Genome Analysis, Leiden University Medical Center (LUMC)
Classification: Likely benign. Review status: no assertion criteria provided. Collection method: clinical testing. Allele origin: germline. Affected: yes. Study: VKGL Data-share Consensus. Not counted in ClinVar's aggregate classification.

Literature cited by the submitters: PubMed 22383692 (cited by Athena Diagnostics); PubMed 11967008 (cited by Athena Diagnostics).

NM_001009944.3(PKD1):c.5682C>T (p.Ala1894=)

Gene: PKD1 (polycystin 1, transient receptor potential channel interacting; minus strand). Cytogenetic location: 16p13.3.
Variant type: single nucleotide variant.
Coding change: c.5682C>T on transcript NM_001009944.3 (MANE Select); coding-DNA position 5682, C replaced by T.
Protein change: p.Ala1894=; no amino-acid change (alanine 1894 retained).
Molecular consequence: synonymous variant.
Genome position (GRCh38, 1-based): chr16:2,109,485, G>A on the plus strand (C>T on the coding strand, the complement: PKD1 is on the minus strand). VCF-style: chr16-2109485-G-A. GRCh37 (hg19) VCF-style: chr16-2159486-G-A.
Other names: c.5682C>T, p.Ala1894= (NM_000296.4).
Identifiers: ClinVar variation 256980 (VCV000256980.51), dbSNP rs144634185, ClinGen allele CA7831895.
Genomic context (GRCh38, chr16:2,109,485, plus strand): 5'-GCCGGCAGCCAGCAGGATCTGAAAATGGACCAGCTGCCCGGGCGCCACCACCTTGCTGCT[G>A]GCCCACAGCACCAGGCCCACGATGGGCTCCTCCGCCGTGAGGTTGTACGTGGCTGAGACC-3'
Protein context (NP_001009944.3, residues 1884-1904): EEPIVGLVLW[Ala1894=]SSKVVAPGQL